The following is an entry in ClinVar:

ClinVar aggregate classification (germline): Uncertain significance. Review status: criteria provided, multiple submitters, no conflicts (2 of 4 stars). 3 submissions from 3 submitters: Uncertain significance (2). 1 of the submissions does not count toward it. Last evaluated 2025-04-03.

Allele frequency attached by ClinVar (database versions not stated): gnomAD 0.00001; TOPMed 0.00001; gnomAD exomes 0.00007 and 0.00009; ExAC 0.00009.
gnomAD v4.1: 102 of 1,611,954 alleles (0.0063%); highest among the groups gnomAD compares: South Asian, 0.11%; 2 homozygotes.

Submissions (3):

Ambry Genetics
Classification: Uncertain significance. Last evaluated: 2025-04-03. Review status: criteria provided, single submitter. Criteria: Ambry Variant Classification Scheme 2023. Collection method: clinical testing. Allele origin: germline.

Labcorp Genetics (formerly Invitae), Labcorp
Classification: Uncertain significance. Last evaluated: 2024-10-25. Review status: criteria provided, single submitter. Criteria: Invitae Variant Classification Sherloc (09022015). Collection method: clinical testing. Allele origin: germline.
Comment: This sequence change replaces lysine, which is basic and polar, with glutamic acid, which is acidic and polar, at codon 920 of the PIK3C2A protein (p.Lys920Glu). This variant is present in population databases (rs749908394, gnomAD 0.07%). This variant has not been reported in the literature in individuals affected with PIK3C2A-related conditions. ClinVar contains an entry for this variant (Variation ID: 1049120). An algorithm developed to predict the effect of missense changes on protein structure and function (PolyPhen-2) suggests that this variant is likely to be tolerated. In summary, the available evidence is currently insufficient to determine the role of this variant in disease. Therefore, it has been classified as a Variant of Uncertain Significance.

Department of Pathology and Laboratory Medicine, Sinai Health System
Classification: Uncertain significance. Review status: no assertion criteria provided. Collection method: clinical testing. Allele origin: unknown. Affected: yes. Study: The Canadian Open Genetics Repository (COGR). Not counted in ClinVar's aggregate classification.
Comment: The PIK3C2A p.Lys540Glu variant was not identified in the literature nor was it identified in ClinVar or LOVD 3.0. The variant was identified in dbSNP (ID: rs749908394) and in control databases in 22 of 250066 chromosomes at a frequency of 0.00008798 (Genome Aggregation Database March 6, 2019, v2.1.1). The variant was observed in the following populations: South Asian in 21 of 30430 chromosomes (freq: 0.00069) and Other in 1 of 6104 chromosomes (freq: 0.000164), but was not observed in the African, Latino, Ashkenazi Jewish, East Asian, European (Finnish) or European (non-Finnish) populations. The p.Lys540 residue is conserved in mammals but not in more distantly related organisms however four out of five computational analyses (PolyPhen-2, SIFT, AlignGVGD, BLOSUM, MutationTaster) do not suggest a high likelihood of impact to the protein; this information is not predictive enough to rule out pathogenicity. The variant occurs outside of the splicing consensus sequence and in silico or computational prediction software programs (SpliceSiteFinder, MaxEntScan, NNSPLICE, GeneSplicer) do not predict a difference in splicing. In summary, based on the above information the clinical significance of this variant cannot be determined with certainty at this time. This variant is classified as a variant of uncertain significance.

NM_002645.4(PIK3C2A):c.2758A>G (p.Lys920Glu)

Gene: PIK3C2A (phosphatidylinositol-4-phosphate 3-kinase catalytic subunit type 2 alpha; minus strand). Cytogenetic location: 11p15.1.
Variant type: single nucleotide variant.
Coding change: c.2758A>G on transcript NM_002645.4 (MANE Select); coding-DNA position 2758, A replaced by G.
Protein change: p.Lys920Glu; replaces lysine 920 with glutamic acid.
Molecular consequence: missense variant.
Genome position (GRCh38, 1-based): chr11:17,119,874, T>C on the plus strand (A>G on the coding strand, the complement: PIK3C2A is on the minus strand). VCF-style: chr11-17119874-T-C. GRCh37 (hg19) VCF-style: chr11-17141421-T-C.
Other names: c.2758A>G, p.Lys920Glu (NM_001321378.2); c.1618A>G, p.Lys540Glu (NM_001321380.2); c.2590A>G, p.Lys864Glu (NM_001386870.1); c.2758A>G (NM_002645.2); short protein forms K540E, K864E, K920E.
Identifiers: ClinVar variation 1049120 (VCV001049120.7), dbSNP rs749908394, ClinGen allele CA5901008.